The following is an entry in ClinVar:

ClinVar aggregate classification (germline): Conflicting classifications of pathogenicity. Review status: criteria provided, conflicting classifications (1 of 4 stars). 5 submissions from 5 submitters: Uncertain significance (4); Likely benign (1). Last evaluated 2025-03-25.

Conditions:
Hereditary cancer-predisposing syndrome. Also called: Hereditary Cancer Syndrome; Neoplastic Syndromes, Hereditary; Tumor predisposition; Hereditary neoplastic syndrome. Identifiers: Orphanet 140162, MedGen C0027672, MeSH D009386, MONDO:0015356.
Familial cancer of breast. Also called: Hereditary breast cancer; hereditary breast carcinoma; BREAST CANCER, FAMILIAL. Identifiers: Orphanet 227535, MedGen C0346153, MONDO:0016419, OMIM 114480. Disease mechanism: loss of function.
Hereditary diffuse gastric adenocarcinoma (HDGC). Also called: DIFFUSE GASTRIC AND LOBULAR BREAST CANCER SYNDROME. Identifiers: Orphanet 26106, MedGen C1708349, MONDO:0007648, OMIM 137215.

Submissions (5):

Color Diagnostics, LLC DBA Color Health
Classification: Uncertain significance for Hereditary cancer-predisposing syndrome. Last evaluated: 2025-03-25. Review status: criteria provided, single submitter. Criteria: ACMG Guidelines, 2015. Collection method: clinical testing. Allele origin: germline.
Comment: This missense variant replaces glutamine with histidine at codon 503 of the CDH1 protein. To our knowledge, functional studies have not been reported for this variant. This variant has been reported in a family that did not meet HDGC clinical criteria (PMID: 36436516). This variant has not been identified in the general population by the Genome Aggregation Database (gnomAD). The available evidence is insufficient to determine the role of this variant in disease conclusively. Therefore, this variant is classified as a Variant of Uncertain Significance.

Ambry Genetics
Classification: Likely benign for Hereditary cancer-predisposing syndrome. Last evaluated: 2024-05-17. Review status: criteria provided, single submitter. Criteria: Ambry Variant Classification Scheme 2023. Collection method: clinical testing. Allele origin: germline.

Baylor Genetics
Classification: Uncertain significance for Familial cancer of breast. Last evaluated: 2023-11-20. Review status: criteria provided, single submitter. Criteria: ACMG Guidelines, 2015. Collection method: clinical testing. Allele origin: unknown.

Labcorp Genetics (formerly Invitae), Labcorp
Classification: Uncertain significance for Hereditary diffuse gastric adenocarcinoma. Last evaluated: 2023-01-24. Review status: criteria provided, single submitter. Criteria: Invitae Variant Classification Sherloc (09022015). Collection method: clinical testing. Allele origin: germline.
Comment: This variant is not present in population databases (gnomAD no frequency). In summary, the available evidence is currently insufficient to determine the role of this variant in disease. Therefore, it has been classified as a Variant of Uncertain Significance. Algorithms developed to predict the effect of missense changes on protein structure and function (SIFT, PolyPhen-2, Align-GVGD) all suggest that this variant is likely to be tolerated. ClinVar contains an entry for this variant (Variation ID: 232090). This variant has not been reported in the literature in individuals affected with CDH1-related conditions. This sequence change replaces glutamine, which is neutral and polar, with histidine, which is basic and polar, at codon 503 of the CDH1 protein (p.Gln503His).

European Reference Network on Genetic Tumour Risk Syndromes (ERN-GENTURIS), i3s - Instituto de Investigação e Inovação em Saúde, University of Porto
Classification: Uncertain significance for Hereditary diffuse gastric adenocarcinoma. Last evaluated: 2022-08-01. Review status: criteria provided, single submitter. Criteria: Lee et al. (Hum Mutat. 2018). Collection method: clinical testing. Allele origin: germline. Inheritance: Autosomal dominant inheritance. Affected: no. Study: ERN GENTURIS.
Comment: PM2 (PMID: 30311375)

Literature cited by the submitters: PubMed 36436516 (cited by Color Diagnostics, LLC DBA Color Health and European Reference Network on Genetic Tumour Risk Syndromes (ERN-GENTURIS), i3s - Instituto de Investigação e Inovação em Saúde, University of Porto).

NM_004360.5(CDH1):c.1509G>C (p.Gln503His)

Gene: CDH1 (cadherin 1; plus strand). Cytogenetic location: 16q22.1.
Variant type: single nucleotide variant.
Coding change: c.1509G>C on transcript NM_004360.5 (MANE Select); coding-DNA position 1509, G replaced by C.
Protein change: p.Gln503His; replaces glutamine 503 with histidine.
Molecular consequence: missense variant. On other transcripts: 5 prime UTR variant (2).
Genome position (GRCh38, 1-based): chr16:68,815,703, G>C. VCF-style: chr16-68815703-G-C. GRCh37 (hg19) VCF-style: chr16-68849606-G-C.
Other names: c.1509G>C (LRG_301t1); c.1326G>C, p.Gln442His (NM_001317184.2); c.-40G>C (NM_001317185.2); c.-311G>C (NM_001317186.2); short protein forms Q503H, Q442H.
Identifiers: ClinVar variation 232090 (VCV000232090.21), dbSNP rs876659548, ClinGen allele CA10580118.